The following is an entry in ClinVar:

NM_001164508.2(NEB):c.9925G>A (p.Val3309Met)

Gene: NEB (nebulin; minus strand). Cytogenetic location: 2q23.3.
Variant type: single nucleotide variant.
Coding change: c.9925G>A on transcript NM_001164508.2 (MANE Select); coding-DNA position 9925, G replaced by A.
Protein change: p.Val3309Met; replaces valine 3309 with methionine.
Molecular consequence: missense variant.
Genome position (GRCh38, 1-based): chr2:151,627,741, C>T on the plus strand (G>A on the coding strand, the complement: NEB is on the minus strand). VCF-style: chr2-151627741-C-T. GRCh37 (hg19) VCF-style: chr2-152484255-C-T.
Other names: c.9925G>A, p.Val3309Met (NM_001164507.2, NM_001271208.2); c.9196G>A, p.Val3066Met (NM_004543.5); short protein forms V3309M, V3066M.
Identifiers: ClinVar variation 2166891 (VCV002166891.1), dbSNP rs925175568, ClinGen allele CA57652104.

ClinVar aggregate classification (germline): Uncertain significance (1 of 4 stars; one submission).

Conditions:
Nemaline myopathy 2 (NEM2). Also called: Nemaline myopathy 2, autosomal recessive. Identifiers: MedGen C1850569, MONDO:0009725, OMIM 256030.

Allele frequency attached by ClinVar (database versions not stated): TOPMed below 0.00001.

Submission:

Labcorp Genetics (formerly Invitae), Labcorp
Classification: Uncertain significance for Nemaline myopathy 2. Last evaluated: 2021-12-25. Review status: criteria provided, single submitter. Criteria: Invitae Variant Classification Sherloc (09022015). Collection method: clinical testing. Allele origin: germline.
Comment: This sequence change replaces valine, which is neutral and non-polar, with methionine, which is neutral and non-polar, at codon 3309 of the NEB protein (p.Val3309Met). This variant is not present in population databases (gnomAD no frequency). This variant has not been reported in the literature in individuals affected with NEB-related conditions. Algorithms developed to predict the effect of missense changes on protein structure and function are either unavailable or do not agree on the potential impact of this missense change (SIFT: "Deleterious"; PolyPhen-2: "Not Available"; Align-GVGD: "Class C0"). In summary, the available evidence is currently insufficient to determine the role of this variant in disease. Therefore, it has been classified as a Variant of Uncertain Significance.